The following is an entry in ClinVar:

ClinVar aggregate classification (germline): Uncertain significance. Review status: criteria provided, multiple submitters, no conflicts (2 of 4 stars). 2 submissions from 2 submitters: Uncertain significance (2). Last evaluated 2025-08-14.

Conditions:
Inborn genetic diseases. Identifiers: MedGen C0950123, MeSH D030342.
Glanzmann thrombasthenia. Also called: Glanzmann's thrombasthenia; BLEEDING DISORDER, PLATELET-TYPE, 2; THROMBASTHENIA OF GLANZMANN AND NAEGELI; Thrombasthenia; PLATELET GLYCOPROTEIN IIb-IIIa DEFICIENCY. Identifiers: Orphanet 849, MedGen C0040015, MONDO:0100326.

Allele frequency attached by ClinVar (database versions not stated): gnomAD exomes 0.00001; ExAC 0.00004; TOPMed 0.00006; gnomAD 0.00008; 1000 Genomes Project 30x 0.00016; 1000 Genomes Project 0.00020.
gnomAD v4.1: 21 of 1,613,460 alleles (0.0013%); highest among the groups gnomAD compares: African/African-American, 0.024%; no homozygotes.

Submissions (2):

Ambry Genetics
Classification: Uncertain significance for Inborn genetic diseases. Last evaluated: 2025-08-14. Review status: criteria provided, single submitter. Criteria: Ambry Variant Classification Scheme 2023. Collection method: clinical testing. Allele origin: germline.

Labcorp Genetics (formerly Invitae), Labcorp
Classification: Uncertain significance for Glanzmann thrombasthenia. Last evaluated: 2023-03-21. Review status: criteria provided, single submitter. Criteria: Invitae Variant Classification Sherloc (09022015). Collection method: clinical testing. Allele origin: germline.
Comment: This sequence change replaces proline, which is neutral and non-polar, with threonine, which is neutral and polar, at codon 685 of the ITGA2B protein (p.Pro685Thr). This variant is present in population databases (rs191789319, gnomAD 0.03%). This variant has not been reported in the literature in individuals affected with ITGA2B-related conditions. Advanced modeling of protein sequence and biophysical properties (such as structural, functional, and spatial information, amino acid conservation, physicochemical variation, residue mobility, and thermodynamic stability) performed at Invitae indicates that this missense variant is expected to disrupt ITGA2B protein function. In summary, the available evidence is currently insufficient to determine the role of this variant in disease. Therefore, it has been classified as a Variant of Uncertain Significance.

NM_000419.5(ITGA2B):c.2053C>A (p.Pro685Thr)

Gene: ITGA2B (integrin subunit alpha 2b; minus strand). Cytogenetic location: 17q21.31.
Variant type: single nucleotide variant.
Coding change: c.2053C>A on transcript NM_000419.5 (MANE Select); coding-DNA position 2053, C replaced by A.
Protein change: p.Pro685Thr; replaces proline 685 with threonine.
Molecular consequence: missense variant.
Genome position (GRCh38, 1-based): chr17:44,378,403, G>T on the plus strand (C>A on the coding strand, the complement: ITGA2B is on the minus strand). VCF-style: chr17-44378403-G-T. GRCh37 (hg19) VCF-style: chr17-42455771-G-T.
Other names: short protein forms P685T.
Identifiers: ClinVar variation 2890514 (VCV002890514.4), dbSNP rs191789319, ClinGen allele CA8602855.
Genomic context (GRCh38, chr17:44,378,403, plus strand): 5'-CCCAGGGTGGGGGCCATACCTCGACATTGCTTAGGGCCCGCATGTAGTGGGCGCCCTGGG[G>T]CAGGTGCACGGCCAGCTCTGCTTCATAGGCCCCCTCGCCCTCGTTGGCTGCGTCCATCTG-3'
Protein context (NP_000410.2, residues 675-695): AYEAELAVHL[Pro685Thr]QGAHYMRALS